The following is an entry in ClinVar:

NM_000393.5(COL5A2):c.3631G>A (p.Glu1211Lys)

Gene: COL5A2 (collagen type V alpha 2 chain; minus strand). Cytogenetic location: 2q32.2.
Variant type: single nucleotide variant.
Coding change: c.3631G>A on transcript NM_000393.5 (MANE Select); coding-DNA position 3631, G replaced by A.
Protein change: p.Glu1211Lys; replaces glutamic acid 1211 with lysine.
Molecular consequence: missense variant.
Genome position (GRCh38, 1-based): chr2:189,041,588, C>T on the plus strand (G>A on the coding strand, the complement: COL5A2 is on the minus strand). VCF-style: chr2-189041588-C-T. GRCh37 (hg19) VCF-style: chr2-189906314-C-T.
Other names: short protein forms E1211K.
Identifiers: ClinVar variation 2768331 (VCV002768331.3), dbSNP rs2469227441, ClinGen allele CA349859453.

ClinVar aggregate classification (germline): Uncertain significance (1 of 4 stars; one submission).

Conditions:
Ehlers-Danlos syndrome, classic type, 1 (EDSCL1). Also called: EHLERS-DANLOS SYNDROME, GRAVIS TYPE; EHLERS-DANLOS SYNDROME, SEVERE CLASSIC TYPE; Ehlers-Danlos syndrome, type 1; Ehlers-Danlos Syndrome, Classic Type, COL5A1-Related; EDS I. Identifiers: MedGen C0268335, MONDO:0019567, OMIM 130000.

Submission:

Labcorp Genetics (formerly Invitae), Labcorp
Classification: Uncertain significance for Ehlers-Danlos syndrome, classic type, 1. Last evaluated: 2023-10-14. Review status: criteria provided, single submitter. Criteria: Invitae Variant Classification Sherloc (09022015). Collection method: clinical testing. Allele origin: germline.
Comment: This sequence change replaces glutamic acid, which is acidic and polar, with lysine, which is basic and polar, at codon 1211 of the COL5A2 protein (p.Glu1211Lys). This variant is not present in population databases (gnomAD no frequency). This variant has not been reported in the literature in individuals affected with COL5A2-related conditions. Experimental studies and prediction algorithms are not available or were not evaluated, and the functional significance of this variant is currently unknown. In summary, the available evidence is currently insufficient to determine the role of this variant in disease. Therefore, it has been classified as a Variant of Uncertain Significance.